The following is an entry in ClinVar:

NM_183235.3(RAB27A):c.423_424del (p.Arg141fs)

Gene: RAB27A (RAB27A, member RAS oncogene family; minus strand). Cytogenetic location: 15q21.3.
Variant type: Microsatellite.
Coding change: c.423_424del on transcript NM_183235.3 (MANE Select); coding-DNA positions 423 to 424, 2 bases deleted (AG; older notation c.423_424delAG).
Protein change: p.Arg141fs; shifts the reading frame from arginine 141.
Molecular consequence: frameshift variant.
Genome position (GRCh38, 1-based): chr15:55,223,932-55,223,933, CT deleted on the plus strand (AG on the coding strand, the reverse complement: RAB27A is on the minus strand); deleting any 2 consecutive bases within chr15:55,223,932-55,223,937 gives the same sequence; the c. name uses the placement nearest the transcript's 3' end. VCF-style (leftmost placement, unchanged base first): chr15-55223931-ACT-A. GRCh37 (hg19) VCF-style: chr15-55516129-ACT-A.
Other names: c.423_424del, p.Arg141fs (NM_004580.5, NM_183236.3); c.419_420AG[2], p.Arg141Serfs (NM_183234.3); short protein forms R141fs.
Identifiers: ClinVar variation 640583 (VCV000640583.10), dbSNP rs766575263, ClinGen allele CA7573576.
Genomic context (GRCh38, chr15:55,223,931, plus strand): 5'-CTCCACAAAAATACTCACCCATATTTCTCTGCGAGTGCTATGGCTTCCTCCTCTTTCACT[ACT>A]CTCTGGTCCTCCAGATCACTCTTGTTTCCACACAGCACTATATCTGGGTTTTCACAATAT-3'

ClinVar aggregate classification (germline): Pathogenic/Likely pathogenic. Review status: criteria provided, multiple submitters, no conflicts (2 of 4 stars). 3 submissions from 3 submitters: Pathogenic (1); Likely pathogenic (2). Last evaluated 2026-01-20.

Conditions:
RAB27A-related disorder. Also called: RAB27A-related condition.
Griscelli syndrome type 2 (GS2). Also called: PAID SYNDROME; PARTIAL ALBINISM AND IMMUNODEFICIENCY SYNDROME; GRISCELLI SYNDROME WITH HEMOPHAGOCYTIC SYNDROME. Identifiers: Orphanet 381, Orphanet 79477, MedGen C1868679, MONDO:0011872, OMIM 607624.

Submissions (3):

Labcorp Genetics (formerly Invitae), Labcorp
Classification: Pathogenic for Griscelli syndrome type 2. Last evaluated: 2026-01-20. Review status: criteria provided, single submitter. Criteria: Invitae Variant Classification Sherloc (09022015). Collection method: clinical testing. Allele origin: germline.
Comment: This sequence change creates a premature translational stop signal (p.Arg141Serfs*20) in the RAB27A gene. While this is not anticipated to result in nonsense mediated decay, it is expected to disrupt the last 81 amino acid(s) of the RAB27A protein. This variant is present in population databases (rs766575263, gnomAD 0.003%). This variant has not been reported in the literature in individuals affected with RAB27A-related conditions. This variant disrupts a region of the RAB27A protein in which other variant(s) (p.Arg184*) have been determined to be pathogenic (PMID: 10835631, 15475639, 18397837, 19030707, 19953648, 25071262, 25500851). This suggests that this is a clinically significant region of the protein, and that variants that disrupt it are likely to be disease-causing. For these reasons, this variant has been classified as Pathogenic.

Rady Children's Institute for Genomic Medicine, Rady Children's Hospital San Diego
Classification: Likely pathogenic for Griscelli syndrome, type 2. Last evaluated: 2025-10-04. Review status: criteria provided, single submitter. Criteria: ACMG Guidelines, 2015. Collection method: clinical testing. Allele origin: germline. Affected: yes.
Comment: This frameshift variant is found within 50 bp of the last exon of RAB27A, therefore the resulting mRNA is predicted to escape nonsense-mediated decay. However, frameshift variants located downstream of this variant have been reported as disease-causing variants in the literature (PMID: 10835631, 19030707, 15475639, 32542393). This variant has not been previously reported or functionally characterized in the literature to our knowledge. The c.423_424del (p.Arg141SerfsTer20) variant is present in the latest version of the gnomAD population database at an allele frequency of 0.0005% (8/1613550), and is absent in the homozygous state, thus is presumed to be rare. Based on the available evidence, c.423_424del (p.Arg141SerfsTer20) is classified as Likely Pathogenic.

Blueprint Genetics
Classification: Likely pathogenic for RAB27A-related disorders. Last evaluated: 2021-04-01. Review status: criteria provided, single submitter. Criteria: ACMG Guidelines, 2015. Collection method: clinical testing. Allele origin: germline. Affected: yes. Observed: 1 variant allele.

Literature cited by the submitters: PubMed 10835631 (cited by Labcorp Genetics (formerly Invitae), Labcorp and Rady Children's Institute for Genomic Medicine, Rady Children's Hospital San Diego); PubMed 15475639 (cited by Labcorp Genetics (formerly Invitae), Labcorp and Rady Children's Institute for Genomic Medicine, Rady Children's Hospital San Diego); PubMed 18397837 (cited by Labcorp Genetics (formerly Invitae), Labcorp); PubMed 19030707 (cited by Labcorp Genetics (formerly Invitae), Labcorp and Rady Children's Institute for Genomic Medicine, Rady Children's Hospital San Diego); PubMed 19953648 (cited by Labcorp Genetics (formerly Invitae), Labcorp); PubMed 25071262 (cited by Labcorp Genetics (formerly Invitae), Labcorp); PubMed 25500851 (cited by Labcorp Genetics (formerly Invitae), Labcorp); PubMed 32542393 (cited by Rady Children's Institute for Genomic Medicine, Rady Children's Hospital San Diego).